The following is an entry in ClinVar:

NM_001042492.3(NF1):c.655-1G>A

Gene: NF1 (neurofibromin 1; plus strand). Cytogenetic location: 17q11.2.
Variant type: single nucleotide variant.
Coding change: c.655-1G>A on transcript NM_001042492.3 (MANE Select); the canonical splice acceptor site of the intron before coding-DNA position 655, G replaced by A.
Molecular consequence: splice acceptor variant.
Genome position (GRCh38, 1-based): chr17:31,181,709, G>A. VCF-style: chr17-31181709-G-A. GRCh37 (hg19) VCF-style: chr17-29508727-G-A.
Other names: c.655-1G>A (NM_000267.4, NM_001128147.3).
Identifiers: ClinVar variation 1075101 (VCV001075101.9), dbSNP rs2143777263, ClinGen allele CA398989598.

ClinVar aggregate classification (germline): Pathogenic. Review status: criteria provided, multiple submitters, no conflicts (2 of 4 stars). 4 submissions from 4 submitters: Pathogenic (4). Last evaluated 2024-06-03.

Conditions:
Hereditary cancer-predisposing syndrome. Also called: Neoplastic Syndromes, Hereditary; Hereditary neoplastic syndrome; Tumor predisposition; Hereditary Cancer Syndrome. Identifiers: Orphanet 140162, MedGen C0027672, MeSH D009386, MONDO:0015356.
Cardiovascular phenotype. Identifiers: MedGen CN230736.
Neurofibromatosis, type 1 (NF1). Also called: VON RECKLINGHAUSEN DISEASE; Peripheral type neurofibromatosis; NEUROFIBROMATOSIS, TYPE I, SOMATIC; Neurofibromatosis, type I. Identifiers: Orphanet 636, MedGen C0027831, MONDO:0018975, OMIM 162200. Disease mechanism: loss of function.

Submissions (4):

Quest Diagnostics Nichols Institute San Juan Capistrano
Classification: Pathogenic. Last evaluated: 2024-06-03. Review status: criteria provided, single submitter. Criteria: Quest Diagnostics criteria. Collection method: clinical testing. Allele origin: unknown.
Comment: The NF1 c.655-1G>A variant disrupts a canonical splice-acceptor site and interferes with normal NF1 mRNA splicing. This variant has been reported in the published literature in individuals with neurofibromatosis type 1 (NF1) (PMIDs: 8957181 (1996), 16944272 (2007)) and NF1-associated dystrophic scoliosis (PMID: 36061378 (2022)). Analysis of mRNA shows the variant results in exon 7 skipping (referred to as exon 5 in the literature), which leads to a frameshift and truncated protein (PMID: 8957181 (1996)). This variant has not been reported in large, multi-ethnic general populations (Genome Aggregation Database). Based on the available information, this variant is classified as pathogenic.

GeneDx
Classification: Pathogenic. Last evaluated: 2023-12-24. Review status: criteria provided, single submitter. Criteria: GeneDx Variant Classification Process June 2021. Collection method: clinical testing. Allele origin: germline. Affected: yes.
Comment: Canonical splice site variant predicted to result in a null allele in a gene for which loss of function is a known mechanism of disease; Not observed at significant frequency in large population cohorts (gnomAD); This variant is associated with the following publications: (PMID: 36061378, 8957181)

Labcorp Genetics (formerly Invitae), Labcorp
Classification: Pathogenic for Neurofibromatosis, type 1. Last evaluated: 2022-10-11. Review status: criteria provided, single submitter. Criteria: Invitae Variant Classification Sherloc (09022015). Collection method: clinical testing. Allele origin: germline.
Comment: ClinVar contains an entry for this variant (Variation ID: 1075101). Studies have shown that disruption of this splice site results in skipping of exon 7 (referred to as exon 5 in the literature) and introduces a premature termination codon (PMID: 8957181). The resulting mRNA is expected to undergo nonsense-mediated decay. For these reasons, this variant has been classified as Pathogenic. Disruption of this splice site has been observed in individual(s) with neurofibromatosis type 1 (PMID: 8957181). This sequence change affects an acceptor splice site in intron 6 of the NF1 gene. RNA analysis indicates that disruption of this splice site induces altered splicing and may result in an absent or disrupted protein product. This variant is not present in population databases (gnomAD no frequency).

Ambry Genetics
Classification: Pathogenic for Cardiovascular phenotype; Hereditary cancer-predisposing syndrome. Last evaluated: 2019-10-08. Review status: criteria provided, single submitter. Criteria: Ambry Variant Classification Scheme 2023. Collection method: clinical testing. Allele origin: germline.
Comment: The c.655-1G>A intronic pathogenic mutation results from a G to A substitution one nucleotide upstream from coding exon 7 of the NF1 gene. In one study, this mutation was detected in an individual meeting NIH diagnostic criteria for Neurofibromatosis type 1 (NF1) and was shown to result in exon skipping and premature protein truncation at the mRNA level (Horn D et al. Electrophoresis, 1996 Oct;17:1559-63). In addition to the clinical data presented in the literature, alterations that disrupt the canonical splice site are expected to cause aberrant splicing, resulting in an abnormal protein or a transcript that is subject to nonsense-mediated mRNA decay. As such, this alteration is classified as a disease-causing mutation.

Literature cited by the submitters: PubMed 36061378 (cited by Quest Diagnostics Nichols Institute San Juan Capistrano); PubMed 8957181 (cited by Quest Diagnostics Nichols Institute San Juan Capistrano and Labcorp Genetics (formerly Invitae), Labcorp); PubMed 16944272 (cited by Quest Diagnostics Nichols Institute San Juan Capistrano).